The following is an entry in ClinVar:

NM_032578.4(MYPN):c.1512G>T (p.Glu504Asp)

Gene: MYPN (myopalladin; plus strand). Cytogenetic location: 10q21.3.
Variant type: single nucleotide variant.
Coding change: c.1512G>T on transcript NM_032578.4 (MANE Select); coding-DNA position 1512, G replaced by T.
Protein change: p.Glu504Asp; replaces glutamic acid 504 with aspartic acid.
Molecular consequence: missense variant. On other transcripts: non-coding transcript variant (2).
Genome position (GRCh38, 1-based): chr10:68,165,730, G>T. VCF-style: chr10-68165730-G-T. GRCh37 (hg19) VCF-style: chr10-69925487-G-T.
Other names: c.1512G>T, p.Glu504Asp (NM_001256267.2); c.630G>T, p.Glu210Asp (NM_001256268.2); c.1512G>T (NM_032578.2); short protein forms E210D, E504D.
Identifiers: ClinVar variation 1368967 (VCV001368967.8), dbSNP rs935247269, ClinGen allele CA208191986.
Genomic context (GRCh38, chr10:68,165,730, plus strand): 5'-GTCAGTAACCATTCTGTTTCACTGGCATATAGAGGAGATTTGCACCTTGGTCATTGCTGA[G>T]GTGTTTGCAGAAGATTCTGGGTGCTTCACATGTACTGCAAGCAACAAATACGGCACAGTG-3'
Protein context (NP_115967.2, residues 494-514): PEEICTLVIA[Glu504Asp]VFAEDSGCFT

ClinVar aggregate classification (germline): Uncertain significance. Review status: criteria provided, multiple submitters, no conflicts (2 of 4 stars). 3 submissions from 3 submitters: Uncertain significance (3). Last evaluated 2025-07-03.

Conditions:
MYPN-related myopathy (CMYO24). Also called: Nemaline myopathy 11, autosomal recessive. Identifiers: MedGen C4479186, MONDO:0015023, OMIM 617336.
Dilated cardiomyopathy 1KK (CMD1KK). Identifiers: Orphanet 154, Orphanet 75249, MedGen C3714995, MONDO:0014100, OMIM 615248.
Cardiovascular phenotype. Identifiers: MedGen CN230736.

Allele frequency attached by ClinVar (database versions not stated): gnomAD exomes below 0.00001 and 0.00001; TOPMed 0.00001.
gnomAD v4.1: 9 of 1,614,034 alleles (0.00056%); highest among the groups gnomAD compares: African/African-American, 0.0027%; no homozygotes.

Submissions (3):

Ambry Genetics
Classification: Uncertain significance for Cardiovascular phenotype. Last evaluated: 2025-07-03. Review status: criteria provided, single submitter. Criteria: Ambry Variant Classification Scheme 2023. Collection method: clinical testing. Allele origin: germline.
Comment: The p.E504D variant (also known as c.1512G>T), located in coding exon 8 of the MYPN gene, results from a G to T substitution at nucleotide position 1512. The glutamic acid at codon 504 is replaced by aspartic acid, an amino acid with highly similar properties. This amino acid position is highly conserved in available vertebrate species. In addition, the in silico prediction for this alteration is inconclusive. Based on the available evidence, the clinical significance of this variant remains unclear.

Labcorp Genetics (formerly Invitae), Labcorp
Classification: Uncertain significance for Dilated cardiomyopathy 1KK. Last evaluated: 2022-03-29. Review status: criteria provided, single submitter. Criteria: Invitae Variant Classification Sherloc (09022015). Collection method: clinical testing. Allele origin: germline.
Comment: This sequence change replaces glutamic acid, which is acidic and polar, with aspartic acid, which is acidic and polar, at codon 504 of the MYPN protein (p.Glu504Asp). This variant is present in population databases (no rsID available, gnomAD 0.002%). This variant has not been reported in the literature in individuals affected with MYPN-related conditions. Algorithms developed to predict the effect of missense changes on protein structure and function are either unavailable or do not agree on the potential impact of this missense change (SIFT: "Tolerated"; PolyPhen-2: "Probably Damaging"; Align-GVGD: "Class C0"). Algorithms developed to predict the effect of sequence changes on RNA splicing suggest that this variant may create or strengthen a splice site. In summary, the available evidence is currently insufficient to determine the role of this variant in disease. Therefore, it has been classified as a Variant of Uncertain Significance.

Fulgent Genetics
Classification: Uncertain significance for Dilated cardiomyopathy 1KK; MYPN-related myopathy. Last evaluated: 2021-09-28. Review status: criteria provided, single submitter. Criteria: ACMG Guidelines, 2015. Collection method: clinical testing. Allele origin: unknown.